The following is an entry in ClinVar:

ClinVar aggregate classification (germline): Uncertain significance (1 of 4 stars; one submission).

Allele frequency attached by ClinVar (database versions not stated): gnomAD exomes below 0.00001; TOPMed below 0.00001; ExAC 0.00001; gnomAD 0.00001.
gnomAD v4.1: 5 of 1,613,710 alleles (0.00031%); highest among the groups gnomAD compares: Non-Finnish European, 0.00025%; no homozygotes.

Submission:

Ambry Genetics
Classification: Uncertain significance. Last evaluated: 2024-03-02. Review status: criteria provided, single submitter. Criteria: Ambry Variant Classification Scheme 2023. Collection method: clinical testing. Allele origin: germline.
Comment: The p.P161S variant (also known as c.481C>T), located in coding exon 3 of the MNDA gene, results from a C to T substitution at nucleotide position 481. The proline at codon 161 is replaced by serine, an amino acid with similar properties. This amino acid position is conserved. In addition, this alteration is predicted to be tolerated by in silico analysis. Since supporting evidence is limited at this time, the clinical significance of this alteration remains unclear.

NM_002432.3(MNDA):c.481C>T (p.Pro161Ser)

Gene: MNDA (myeloid cell nuclear differentiation antigen; plus strand). Cytogenetic location: 1q23.1.
Variant type: single nucleotide variant.
Coding change: c.481C>T on transcript NM_002432.3 (MANE Select); coding-DNA position 481, C replaced by T.
Protein change: p.Pro161Ser; replaces proline 161 with serine.
Molecular consequence: missense variant.
Genome position (GRCh38, 1-based): chr1:158,844,033, C>T. VCF-style: chr1-158844033-C-T. GRCh37 (hg19) VCF-style: chr1-158813823-C-T.
Other names: short protein forms P161S.
Identifiers: ClinVar variation 1743343 (VCV001743343.2), dbSNP rs751897233, ClinGen allele CA1185612.